The following is an entry in ClinVar:

ClinVar aggregate classification (germline): Uncertain significance. Review status: criteria provided, multiple submitters, no conflicts (2 of 4 stars). 3 submissions from 3 submitters: Uncertain significance (3). Last evaluated 2026-05-06.

Conditions:
Cardiovascular phenotype. Identifiers: MedGen CN230736.
Hypertrophic cardiomyopathy. Also called: HYPERTROPHIC MYOCARDIOPATHY. Identifiers: Orphanet 217569, MedGen C0007194, MeSH D002312, MONDO:0005045, HP:0001639.
JPH2-related disorder. Also called: JPH2-related condition.

Submissions (3):

PreventionGenetics, part of Exact Sciences
Classification: Uncertain significance for JPH2-related condition. Last evaluated: 2026-05-06. Review status: criteria provided, single submitter. Criteria: ACMG Guidelines, 2015. Collection method: clinical testing. Allele origin: germline.
Comment: The JPH2 c.349_351delGGC variant is predicted to result in an in-frame deletion (p.Gly117del). To our knowledge, this variant has not been reported in the literature. This variant is reported in 0.0058% of alleles in individuals of Latino descent in gnomAD. At this time, the clinical significance of this variant is uncertain due to the absence of conclusive functional and genetic evidence.

Labcorp Genetics (formerly Invitae), Labcorp
Classification: Uncertain significance for Hypertrophic cardiomyopathy. Last evaluated: 2024-10-07. Review status: criteria provided, single submitter. Criteria: Invitae Variant Classification Sherloc (09022015). Collection method: clinical testing. Allele origin: germline.
Comment: This variant, c.349_351del, results in the deletion of 1 amino acid(s) of the JPH2 protein (p.Gly117del), but otherwise preserves the integrity of the reading frame. This variant is present in population databases (no rsID available, gnomAD 0.006%). This variant has not been reported in the literature in individuals affected with JPH2-related conditions. ClinVar contains an entry for this variant (Variation ID: 1384990). Experimental studies and prediction algorithms are not available or were not evaluated, and the functional significance of this variant is currently unknown. In summary, the available evidence is currently insufficient to determine the role of this variant in disease. Therefore, it has been classified as a Variant of Uncertain Significance.

Ambry Genetics
Classification: Uncertain significance for Cardiovascular phenotype. Last evaluated: 2021-07-20. Review status: criteria provided, single submitter. Criteria: Ambry Variant Classification Scheme 2023. Collection method: clinical testing. Allele origin: germline.
Comment: The c.349_351delGGC variant (also known as p.G117del) is located in coding exon 1 of the JPH2 gene. This variant results from an in-frame GGC deletion at nucleotide positions 349 to 351. This results in the in-frame deletion of a glycine at codon 117. This alteration has been reported in a whole exome sequencing cohort (Jones EG et al. Sci Rep, 2019 06;9:9038). This nucleotide position ranges from highly conserved to not well conserved in available vertebrate species. This amino acid position is highly conserved in available vertebrate species. In addition, this alteration is predicted to be deleterious by in silico analysis (Choi Y et al. PLoS ONE. 2012; 7(10):e46688). Since supporting evidence is limited at this time, the clinical significance of this alteration remains unclear.

Literature cited by the submitters: PubMed 31227780 (cited by Ambry Genetics).

NM_020433.5(JPH2):c.349_351del (p.Gly117del)

Gene: JPH2 (junctophilin 2; minus strand). Cytogenetic location: 20q13.12.
Variant type: Deletion.
Coding change: c.349_351del on transcript NM_020433.5 (MANE Select); coding-DNA positions 349 to 351, 3 bases deleted (GGC; older notation c.349_351delGGC).
Protein change: p.Gly117del; deletes glycine 117.
Molecular consequence: inframe deletion.
Genome position (GRCh38, 1-based): chr20:44,186,355-44,186,357, GCC deleted on the plus strand (GGC on the coding strand, the reverse complement: JPH2 is on the minus strand); deleting any 3 consecutive bases within chr20:44,186,355-44,186,358 gives the same sequence; the c. name uses the placement nearest the transcript's 3' end. VCF-style (leftmost placement, unchanged base first): chr20-44186354-AGCC-A. GRCh37 (hg19) VCF-style: chr20-42814994-AGCC-A.
Other names: c.349_351del, p.Gly117del (NM_175913.4); short protein forms G117del.
Identifiers: ClinVar variation 1384990 (VCV001384990.11), dbSNP rs1351653670, ClinGen allele CA636173679.